The following is an entry in ClinVar:

NM_001378204.1(CCDC18):c.4319_4320insCCT (p.Lys1440delinsAsnLeu)

Gene: CCDC18 (coiled-coil domain containing 18; plus strand). Cytogenetic location: 1p22.1.
Variant type: Insertion.
Coding change: c.4319_4320insCCT on transcript NM_001378204.1 (MANE Select); coding-DNA positions 4319 to 4320, CCT inserted.
Protein change: p.Lys1440delinsAsnLeu.
Molecular consequence: inframe indel. On other transcripts: intron variant (1).
Genome position: GRCh38 VCF-style: chr1-93270780-A-ACCT. GRCh37 (hg19) VCF-style: chr1-93736337-A-ACCT.
Other names: c.4316_4317insCCT, p.Lys1439delinsAsnLeu (NM_001306076.1); c.3885+5879_3885+5880insCCT (NM_206886.4).
Identifiers: ClinVar variation 3047544 (VCV003047544.2), dbSNP rs560046022, ClinGen allele CA954745.

ClinVar aggregate classification (germline): Likely benign (0 of 4 stars; one submission).

Conditions:
CCDC18-related disorder. Also called: CCDC18-related condition.

Allele frequency attached by ClinVar (database versions not stated): ExAC 0.00020; gnomAD exomes 0.00040; TOPMed 0.00062; gnomAD 0.00072; 1000 Genomes Project 0.00080.

Submission:

PreventionGenetics, part of Exact Sciences
Classification: Likely benign for CCDC18-related condition. Last evaluated: 2022-11-30. Review status: no assertion criteria provided. Collection method: clinical testing. Allele origin: germline.
Comment: This variant is classified as likely benign based on ACMG/AMP sequence variant interpretation guidelines (Richards et al. 2015 PMID: 25741868, with internal and published modifications).